The following is an entry in ClinVar:

ClinVar aggregate classification (germline): Benign/Likely benign. Review status: criteria provided, multiple submitters, no conflicts (2 of 4 stars). 7 submissions from 7 submitters: Benign (1); Likely benign (5). 1 of the submissions does not count toward it. Last evaluated 2026-01-19.

Conditions:
DYRK1A-related disorder.
DYRK1A-related intellectual disability syndrome (MRD7). Also called: DYRK1A Syndrome; Intellectual developmental disorder, autosomal dominant 7. Identifiers: Orphanet 464306, MedGen C5568143, MONDO:0013578, OMIM 614104.
Inborn genetic diseases. Identifiers: MedGen C0950123, MeSH D030342.

Allele frequency attached by ClinVar (database versions not stated): ExAC 0.00016; gnomAD 0.00019 and 0.00021; TOPMed 0.00019; ESP Exome Variant Server 0.00062.
gnomAD v4.1: 419 of 1,613,484 alleles (0.026%); highest among the groups gnomAD compares: Non-Finnish European, 0.034%; no homozygotes.

Submissions (7):

Labcorp Genetics (formerly Invitae), Labcorp
Classification: Likely benign for DYRK1A-related intellectual disability syndrome. Last evaluated: 2026-01-19. Review status: criteria provided, single submitter. Criteria: Invitae Variant Classification Sherloc (09022015). Collection method: clinical testing. Allele origin: germline.

CeGaT Center for Human Genetics Tuebingen
Classification: Likely benign. Last evaluated: 2023-10-01. Review status: criteria provided, single submitter. Criteria: CeGaT Center For Human Genetics Tuebingen Variant Classification Criteria Version 2. Collection method: clinical testing. Allele origin: germline. Affected: yes. Observed: 2 variant alleles.
Comment: DYRK1A: BP4, BP7

Blueprint Genetics
Classification: Likely benign. Last evaluated: 2023-06-16. Review status: criteria provided, single submitter. Criteria: ACMG Guidelines, 2015. Collection method: clinical testing. Allele origin: germline.

GeneDx
Classification: Likely benign. Last evaluated: 2019-01-14. Review status: criteria provided, single submitter. Criteria: GeneDx Variant Classification Process June 2021. Collection method: clinical testing. Allele origin: germline. Affected: yes.

Genetic Services Laboratory, University of Chicago
Classification: Benign. Last evaluated: 2017-07-21. Review status: criteria provided, single submitter. Criteria: ACMG Guidelines, 2015. Collection method: clinical testing. Allele origin: germline. Affected: no.

Ambry Genetics
Classification: Likely benign for Inborn genetic diseases. Last evaluated: 2016-07-05. Review status: criteria provided, single submitter. Criteria: Ambry Variant Classification Scheme 2023. Collection method: clinical testing. Allele origin: germline.

PreventionGenetics, part of Exact Sciences
Classification: Likely benign for DYRK1A-related condition. Last evaluated: 2019-09-26. Review status: no assertion criteria provided. Collection method: clinical testing. Allele origin: germline. Not counted in ClinVar's aggregate classification.
Comment: This variant is classified as likely benign based on ACMG/AMP sequence variant interpretation guidelines (Richards et al. 2015 PMID: 25741868, with internal and published modifications).

NM_001347721.2(DYRK1A):c.1014C>T (p.Leu338=)

Gene: DYRK1A (dual specificity tyrosine phosphorylation regulated kinase 1A; plus strand). Cytogenetic location: 21q22.13.
Variant type: single nucleotide variant.
Coding change: c.1014C>T on transcript NM_001347721.2 (MANE Select); coding-DNA position 1014, C replaced by T.
Protein change: p.Leu338=; no amino-acid change (leucine 338 retained).
Molecular consequence: synonymous variant.
Genome position (GRCh38, 1-based): chr21:37,493,106, C>T. VCF-style: chr21-37493106-C-T. GRCh37 (hg19) VCF-style: chr21-38865408-C-T.
Other names: c.1014C>T, p.Leu338= (NM_001347722.2, NM_130436.2); c.927C>T, p.Leu309= (NM_001347723.2); c.1041C>T, p.Leu347= (NM_001396.5, NM_101395.2, NM_130438.2); c.1041C>T (NM_001396.4).
Identifiers: ClinVar variation 588010 (VCV000588010.56), dbSNP rs143646885, ClinGen allele CA10023896.
Genomic context (GRCh38, chr21:37,493,106, plus strand): 5'-TCGGTCTCCAGAGGTGCTACTGGGAATGCCTTATGACCTTGCCATTGATATGTGGTCCCT[C>T]GGGTGTATTTTGGTTGAAATGCACACTGGAGAACCTCTGTTCAGTGGTGCCAATGAGGTA-3'
Protein context (NP_001334650.1, residues 328-348): PYDLAIDMWS[Leu338=]GCILVEMHTG